The following is an entry in ClinVar:

NM_001346022.3(USP45):c.1794T>G (p.Tyr598Ter)

Gene: USP45 (ubiquitin specific peptidase 45; minus strand). Cytogenetic location: 6q16.2.
Variant type: single nucleotide variant.
Coding change: c.1794T>G on transcript NM_001346022.3 (MANE Select); coding-DNA position 1794, T replaced by G.
Protein change: p.Tyr598Ter; replaces tyrosine 598 with a stop codon.
Molecular consequence: nonsense. On other transcripts: non-coding transcript variant (2).
Genome position (GRCh38, 1-based): chr6:99,445,978, A>C on the plus strand (T>G on the coding strand, the complement: USP45 is on the minus strand). VCF-style: chr6-99445978-A-C. GRCh37 (hg19) VCF-style: chr6-99893854-A-C.
Other names: c.1794T>G, p.Tyr598Ter (NM_001080481.3, NM_001346021.3, NM_001346026.3); c.1791T>G, p.Tyr597Ter (NM_001346023.3); c.1620T>G, p.Tyr540Ter (NM_001346024.3); c.1617T>G, p.Tyr539Ter (NM_001346025.3); c.714T>G, p.Tyr238Ter (NM_001346027.3, NM_001346028.3, NM_001346029.3); short protein forms Y238*, Y539*, Y540*, Y597*, Y598*.
Identifiers: ClinVar variation 1338670 (VCV001338670.5), dbSNP rs766826756, ClinGen allele CA365086488.

ClinVar aggregate classification (germline): Uncertain significance. Review status: criteria provided, single submitter (1 of 4 stars). 2 submissions from 2 submitters: Uncertain significance (1). 1 of the submissions does not count toward it. Last evaluated 2021-11-23.

Conditions:
Retinal dystrophy. Also called: Inherited retinal dystrophy. Identifiers: Orphanet 71862, MedGen C0854723, MeSH D058499, MONDO:0019118, HP:0000556.

gnomAD v4.1: 3 of 1,614,076 alleles (0.00019%); highest among the groups gnomAD compares: Middle Eastern, 0.016%; no homozygotes.

Submissions (2):

Genetic Services Laboratory, University of Chicago
Classification: Uncertain significance. Last evaluated: 2021-11-23. Review status: criteria provided, single submitter. Criteria: ACMG Guidelines, 2015. Collection method: clinical testing. Allele origin: germline. Affected: no.
Comment: DNA sequence analysis of the USP45 gene demonstrated a sequence change, c.1794T>G, which results in the creation of a premature stop codon at amino acid position 598, p.Tyr598*. This sequence change is predicted to result in an abnormal transcript, which may be degraded, or may lead to the production of a truncated USP45 protein with potentially abnormal function. This sequence change has been described in the gnomAD database in one individual which corresponds to a population frequency of 0.00040% (db SNP rs766826756). This sequence change has not previously been described in individuals with USP45-related disorders. The functional significance of this sequence change is not known at present and its contribution to this individual√¢‚Ç¨‚Ñ¢s disease phenotype cannot definitively be determined. Biallelic pathogenic variants in USP45 may be associated with Leber congenital amaurosis (PMID: 30573563).

Institute of Human Genetics, Univ. Regensburg, Univ. Regensburg
Classification: Uncertain significance for Retinal dystrophy. Last evaluated: 2023-01-01. Review status: no assertion criteria provided. Criteria: ACMG Guidelines, 2015. Collection method: clinical testing. Allele origin: germline. Affected: yes. Not counted in ClinVar's aggregate classification.